The following is an entry in ClinVar:

ClinVar aggregate classification (germline): Likely pathogenic (1 of 4 stars; one submission).

Conditions:
Inborn genetic diseases. Identifiers: MedGen C0950123, MeSH D030342.

Submission:

Ambry Genetics
Classification: Likely pathogenic for Inborn genetic diseases. Last evaluated: 2025-05-12. Review status: criteria provided, single submitter. Criteria: Ambry Variant Classification Scheme 2023. Collection method: clinical testing. Allele origin: germline.
Comment: The c.1841+1G>C intronic variant results from a G to C substitution one nucleotide after coding exon 19 of the RPS6KA3 gene. Alterations that disrupt the canonical splice site are expected to cause aberrant splicing, resulting in an abnormal protein or a transcript that is subject to nonsense-mediated mRNA decay. This variant was not reported in population-based cohorts in the Genome Aggregation Database (gnomAD). This nucleotide position is highly conserved in available vertebrate species. In silico splice site analysis predicts that this alteration will weaken the native splice donor site. Based on the available evidence, this alteration is classified as likely pathogenic.

NM_004586.3(RPS6KA3):c.1841+1G>C

Gene: RPS6KA3 (ribosomal protein S6 kinase A3; minus strand). Cytogenetic location: Xp22.12.
Variant type: single nucleotide variant.
Coding change: c.1841+1G>C on transcript NM_004586.3 (MANE Select); the canonical splice donor site of the intron after coding-DNA position 1841, G replaced by C.
Molecular consequence: splice donor variant.
Genome position (GRCh38, 1-based): chrX:20,162,963, C>G on the plus strand (G>C on the coding strand, the complement: RPS6KA3 is on the minus strand). VCF-style: chrX-20162963-C-G. GRCh37 (hg19) VCF-style: chrX-20181081-C-G.
Identifiers: ClinVar variation 3947679 (VCV003947679.1).
Genomic context (GRCh38, chrX:20,162,963, plus strand): 5'-ACTTAAGCAAAACATTGATGAACAAATGCTTAGGTGCTTAGAACATATGGTATACACTCA[C>G]CCGGTAAGCATTGTATAGAGTAGGACACCAAGACTCCATATATCACAAGCAGCATCATAG-3'